The following is an entry in ClinVar:

ClinVar aggregate classification (germline): Uncertain significance (0 of 4 stars; one submission).

Conditions:
HCK-related condition.

Submission:

PreventionGenetics, part of Exact Sciences
Classification: Uncertain significance for HCK-related condition. Last evaluated: 2024-08-13. Review status: no assertion criteria provided. Collection method: clinical testing. Allele origin: germline.
Comment: The HCK c.3G>T variant is predicted to disrupt the translation initiation site (Start Loss). To our knowledge, this variant has not been reported in the literature or in a large population database, indicating this variant is rare. At this time, the clinical significance of this variant is uncertain due to the absence of conclusive functional and genetic evidence.

NM_002110.5(HCK):c.3G>T

Gene: HCK (HCK proto-oncogene, Src family tyrosine kinase; plus strand). Cytogenetic location: 20q11.21.
Variant type: single nucleotide variant.
Coding change: c.3G>T on transcript NM_002110.5 (MANE Select); coding-DNA position 3, G replaced by T.
Molecular consequence: initiator codon variant. On other transcripts: 5 prime UTR variant (4).
Genome position (GRCh38, 1-based): chr20:32,052,427, G>T. VCF-style: chr20-32052427-G-T. GRCh37 (hg19) VCF-style: chr20-30640230-G-T.
Other names: c.-61G>T (NM_001172129.3, NM_001172131.3); c.3G>T (NM_001172130.3); c.-124G>T (NM_001172132.3); c.-125G>T (NM_001172133.3).
Identifiers: ClinVar variation 3350468 (VCV003350468.1).